The following is an entry in ClinVar:

ClinVar aggregate classification (germline): Uncertain significance (1 of 4 stars; one submission).

gnomAD v4.1: 4 of 145,984 alleles (0.0027%); highest among the groups gnomAD compares: Non-Finnish European, 0.0045%; no homozygotes.

Submission:

Greenwood Genetic Center Diagnostic Laboratories, Greenwood Genetic Center
Classification: Uncertain significance. Last evaluated: 2024-08-06. Review status: criteria provided, single submitter. Criteria: ACMG Guidelines, 2015. Collection method: clinical testing. Allele origin: germline. Affected: yes.
Comment: BP4

NM_001127222.2(CACNA1A):c.540-16571C>G

Gene: CACNA1A (calcium voltage-gated channel subunit alpha1 A; minus strand). Cytogenetic location: 19p13.13.
Variant type: single nucleotide variant.
Coding change: c.540-16571C>G on transcript NM_001127222.2 (MANE Select); 16571 bases into the intron before coding-DNA position 540, C replaced by G.
Molecular consequence: intron variant.
Genome position (GRCh38, 1-based): chr19:13,388,350, G>C on the plus strand (C>G on the coding strand, the complement: CACNA1A is on the minus strand). VCF-style: chr19-13388350-G-C. GRCh37 (hg19) VCF-style: chr19-13499164-G-C.
Other names: c.540-16571C>G (NM_001127221.2, NM_001174080.2, NM_000068.4 and 1 more transcripts).
Identifiers: ClinVar variation 3765564 (VCV003765564.1).